The following is an entry in ClinVar:

ClinVar aggregate classification (germline): Pathogenic (1 of 4 stars; one submission).

Conditions:
Microcephaly, normal intelligence and immunodeficiency (NBS). Also called: SEEMANOVA SYNDROME II; Immunodeficiency, microcephaly with normal intelligence; Nijmegen breakage syndrome; Microcephaly with normal intelligence immunodeficiency and lymphoreticular malignancies; Nonsyndromal microcephaly autosomal recessive with normal intelligence; Seemanova syndrome 2. Identifiers: Orphanet 647, MedGen C0398791, MONDO:0009623, OMIM 251260.

Submission:

Labcorp Genetics (formerly Invitae), Labcorp
Classification: Pathogenic for Microcephaly, normal intelligence and immunodeficiency. Last evaluated: 2025-03-27. Review status: criteria provided, single submitter. Criteria: Invitae Variant Classification Sherloc (09022015). Collection method: clinical testing. Allele origin: germline.
Comment: This sequence change creates a premature translational stop signal (p.Thr668Tyrfs*10) in the NBN gene. It is expected to result in an absent or disrupted protein product. Loss-of-function variants in NBN are known to be pathogenic (PMID: 9590180, 16415040). This variant is not present in population databases (gnomAD no frequency). This variant has not been reported in the literature in individuals affected with NBN-related conditions. Algorithms developed to predict the effect of sequence changes on RNA splicing suggest that this variant may disrupt the consensus splice site. For these reasons, this variant has been classified as Pathogenic.

Literature cited by the submitters: PubMed 9590180; PubMed 16415040.

NM_002485.5(NBN):c.2001dup (p.Thr668fs)

Gene: NBN (nibrin; minus strand). Cytogenetic location: 8q21.3.
Variant type: Duplication.
Coding change: c.2001dup on transcript NM_002485.5 (MANE Select); coding-DNA position 2001, one base duplicated (T; older notation c.2001dupT).
Protein change: p.Thr668fs; shifts the reading frame from threonine 668.
Molecular consequence: frameshift variant.
Genome position (GRCh38, 1-based): chr8:89,946,209, A duplicated on the plus strand (T on the coding strand, the reverse complement: NBN is on the minus strand). VCF-style (leftmost placement, unchanged base first): chr8-89946208-T-TA. GRCh37 (hg19) VCF-style: chr8-90958436-T-TA.
Other names: c.1755dup, p.Thr586fs (NM_001024688.3, NM_001440379.1, NM_001440380.1); short protein forms T668fs, T586fs.
Identifiers: ClinVar variation 4710751 (VCV004710751.1).